The following is an entry in ClinVar:

ClinVar aggregate classification (germline): Uncertain significance (1 of 4 stars; one submission).

Conditions:
Diffuse cerebral and cerebellar atrophy - intractable seizures - progressive microcephaly syndrome. Also called: Microcephaly, progressive, with seizures and cerebral and cerebellar atrophy. Identifiers: Orphanet 404437, MedGen C4014239, MONDO:0014335, OMIM 615760.

Allele frequency attached by ClinVar (database versions not stated): gnomAD exomes below 0.00001; TOPMed below 0.00001; gnomAD 0.00001.
gnomAD v4.1: 3 of 1,614,118 alleles (0.00019%); highest among the groups gnomAD compares: Non-Finnish European, 0.00025%; no homozygotes.

Submission:

Labcorp Genetics (formerly Invitae), Labcorp
Classification: Uncertain significance for Diffuse cerebral and cerebellar atrophy - intractable seizures - progressive microcephaly syndrome. Last evaluated: 2021-11-30. Review status: criteria provided, single submitter. Criteria: Invitae Variant Classification Sherloc (09022015). Collection method: clinical testing. Allele origin: germline.
Comment: In summary, the available evidence is currently insufficient to determine the role of this variant in disease. Therefore, it has been classified as a Variant of Uncertain Significance. Algorithms developed to predict the effect of missense changes on protein structure and function (SIFT, PolyPhen-2, Align-GVGD) all suggest that this variant is likely to be tolerated. This variant has not been reported in the literature in individuals affected with QARS-related conditions. This variant is not present in population databases (gnomAD no frequency). This sequence change replaces glutamic acid, which is acidic and polar, with lysine, which is basic and polar, at codon 209 of the QARS protein (p.Glu209Lys).

NM_005051.3(QARS1):c.625G>A (p.Glu209Lys)

Gene: QARS1 (glutaminyl-tRNA synthetase 1; minus strand). Cytogenetic location: 3p21.31.
Variant type: single nucleotide variant.
Coding change: c.625G>A on transcript NM_005051.3 (MANE Select); coding-DNA position 625, G replaced by A.
Protein change: p.Glu209Lys; replaces glutamic acid 209 with lysine.
Molecular consequence: missense variant. On other transcripts: non-coding transcript variant (1).
Genome position (GRCh38, 1-based): chr3:49,102,211, C>T on the plus strand (G>A on the coding strand, the complement: QARS1 is on the minus strand). VCF-style: chr3-49102211-C-T. GRCh37 (hg19) VCF-style: chr3-49139644-C-T.
Other names: c.592G>A, p.Glu198Lys (NM_001272073.2); short protein forms E198K, E209K.
Identifiers: ClinVar variation 1395912 (VCV001395912.4), dbSNP rs2042480469, ClinGen allele CA352716077.